The following is an entry in ClinVar:

NM_000435.3(NOTCH3):c.1364G>A (p.Cys455Tyr)

Gene: NOTCH3 (notch receptor 3; minus strand). Cytogenetic location: 19p13.12.
Variant type: single nucleotide variant.
Coding change: c.1364G>A on transcript NM_000435.3 (MANE Select); coding-DNA position 1364, G replaced by A.
Protein change: p.Cys455Tyr; replaces cysteine 455 with tyrosine.
Molecular consequence: missense variant.
Genome position (GRCh38, 1-based): chr19:15,189,003, C>T on the plus strand (G>A on the coding strand, the complement: NOTCH3 is on the minus strand). VCF-style: chr19-15189003-C-T. GRCh37 (hg19) VCF-style: chr19-15299814-C-T.
Other names: short protein forms C455Y.
Identifiers: ClinVar variation 447784 (VCV000447784.20), dbSNP rs886041513, ClinGen allele CA404527572.

ClinVar aggregate classification (germline): Conflicting classifications of pathogenicity. Review status: criteria provided, conflicting classifications (1 of 4 stars). 4 submissions from 4 submitters: Pathogenic (1); Likely pathogenic (2); Uncertain significance (1). Last evaluated 2025-11-28.

Allele frequency attached by ClinVar (database versions not stated): gnomAD exomes below 0.00001.
gnomAD v4.1: 1 of 1,611,064 alleles (0.000062%); highest among the groups gnomAD compares: Non-Finnish European, 0.000085%; no homozygotes.

Submissions (4):

Labcorp Genetics (formerly Invitae), Labcorp
Classification: Uncertain significance. Last evaluated: 2025-11-28. Review status: criteria provided, single submitter. Criteria: Invitae Variant Classification Sherloc (09022015). Collection method: clinical testing. Allele origin: germline.
Comment: This sequence change replaces cysteine, which is neutral and slightly polar, with tyrosine, which is neutral and polar, at codon 455 of the NOTCH3 protein (p.Cys455Tyr). This variant is not present in population databases (gnomAD no frequency). This missense change has been observed in individual(s) with cerebral arteriopathy with subcortical infarcts and leukoencephalopathy and/or NOTCH3-related conditions (PMID: 24139282, 32344328). ClinVar contains an entry for this variant (Variation ID: 447784). Invitae Evidence Modeling of protein sequence and biophysical properties (such as structural, functional, and spatial information, amino acid conservation, physicochemical variation, residue mobility, and thermodynamic stability) indicates that this missense variant is expected to disrupt NOTCH3 protein function with a positive predictive value of 95%. In summary, the available evidence is currently insufficient to determine the role of this variant in disease. Therefore, it has been classified as a Variant of Uncertain Significance.

ARUP Laboratories, Molecular Genetics and Genomics, ARUP Laboratories
Classification: Likely pathogenic. Last evaluated: 2025-03-14. Review status: criteria provided, single submitter. Criteria: ARUP Molecular Germline Variant Investigation Process 2024. Collection method: clinical testing. Allele origin: germline.
Comment: The NOTCH3 c.1364G>A; p.Cys455Tyr variant (rs886041513, ClinVar Variation ID: 447784), is reported in the literature in individuals affected with CADASIL (Kim 2014, Chen 2020). This variant is absent from the Genome Aggregation Database (v2.1.1), indicating it is not a common polymorphism. Computational analyses predict that this variant is deleterious (REVEL: 0.987). This variant lies within an EGF-like repeat domain, and pathogenic variants resulting in the gain or loss of a cysteine residue are common in these repeats and are predicted to disrupt protein structure (Dichgans 2000, Joutel 1997, Rutten 2016). Additionally, another variant at this codon (c.1363C>T, p.Cys455Arg) has been reported in individuals with CADASIL and is considered pathogenic (Arboleda-Velasquez 2002). Based on available information, the p.Cys455Tyr variant is considered to be likely pathogenic. References: Arboleda-Velasquez JF et al. C455R notch3 mutation in a Colombian CADASIL kindred with early onset of stroke. Neurology. 2002 Jul 23;59(2):277-9. PMID: 12136071. Dichgans M et al. Small in-frame deletions and missense mutations in CADASIL: 3D models predict misfolding of Notch3 EGF-like repeat domains. Eur J Hum Genet. 2000 Apr;8(4):280-5. PMID: 10854111. Chen G et al. Generation of human induced pluripotent stem cells (NIHTVBi004-A, NIHTVBi005-A, NIHTVBi006-A, NIHTVBi007-A, NIHTVBi008-A) from 5 CADASIL patients with NOTCH3 mutation. Stem Cell Res. 2020 May;45:101821. PMID: 32344328. Joutel A et al. Strong clustering and stereotyped nature of Notch3 mutations in CADASIL patients. Lancet. 1997 Nov 22;350(9090):1511-5. PMID: 9388399. Kim YE et al. Spectrum of NOTCH3 mutations in Korean patients with clinically suspicious cerebral autosomal dominant arteriopathy with subcortical infarcts and leukoencephalopathy. Neurobiol Aging. 2014 Mar;35(3):726.e1-6. PMID: 24139282. Rutten J et al. Therapeutic NOTCH3 cysteine correction in CADASIL using exon skipping: in vitro proof of concept. Brain. 2016 Apr;139(Pt 4):1123-35. PMID: 26912635.

Athena Diagnostics
Classification: Pathogenic. Last evaluated: 2025-02-25. Review status: criteria provided, single submitter. Criteria: Athena Diagnostics Criteria. Collection method: clinical testing. Allele origin: unknown.
Comment: This variant alters a critical location within the protein, and is expected to severely affect function and cause disease. This variant has not been reported in large, multi-ethnic general populations. This variant has been identified in at least one individual with clinical features associated with CADASIL. Greater than 90% of NOTCH3 pathogenic variants associated with CADASIL involve the gain or loss of a cysteine residue within the epidermal growth factor (EGF)-like repeat domain (PMID: 32457593, 20301673).

Mayo Clinic Laboratories, Mayo Clinic
Classification: Likely pathogenic. Last evaluated: 2024-07-08. Review status: criteria provided, single submitter. Criteria: ACMG Guidelines, 2015. Collection method: clinical testing. Allele origin: germline.
Comment: PP2, PP3, PM1, PM2, PM5

Literature cited by the submitters: PubMed 24139282 (cited by 3 submitters); PubMed 32344328 (cited by 3 submitters); PubMed 37526664 (cited by Athena Diagnostics and Mayo Clinic Laboratories, Mayo Clinic).